The following is an entry in ClinVar:

NM_003060.4(SLC22A5):c.148del (p.Cys50fs)

Gene: SLC22A5 (solute carrier family 22 member 5; plus strand). Cytogenetic location: 5q31.1.
Variant type: Deletion.
Coding change: c.148del on transcript NM_003060.4 (MANE Select); coding-DNA position 148, one base deleted (T; older notation c.148delT).
Protein change: p.Cys50fs; shifts the reading frame from cysteine 50.
Molecular consequence: frameshift variant.
Genome position (GRCh38, 1-based): chr5:132,370,120, T deleted. VCF-style (leftmost placement, unchanged base first): chr5-132370119-CT-C. GRCh37 (hg19) VCF-style: chr5-131705811-CT-C.
Other names: C50PfsX9; c.148del (NM_003060.3); c.148del, p.Cys50fs (NM_001308122.2); short protein forms C50fs.
Identifiers: ClinVar variation 38795 (VCV000038795.17), dbSNP rs386134227, ClinGen allele CA343117.

ClinVar aggregate classification (germline): Pathogenic. Review status: criteria provided, multiple submitters, no conflicts (2 of 4 stars). 3 submissions from 3 submitters: Pathogenic (2). 1 of the submissions does not count toward it. Last evaluated 2025-11-17.

Conditions:
Renal carnitine transport defect (CDSP). Also called: Primary carnitine deficiency; Carnitine transporter deficiency; Carnitine Deficiency, Systemic; Systemic primary carnitine deficiency disease; Systemic primary carnitine deficiency; CARNITINE DEFICIENCY, SYSTEMIC, DUE TO DEFECT IN RENAL REABSORPTION OF CARNITINE. Identifiers: Orphanet 158, MedGen C0342788, MONDO:0008919, OMIM 212140.

Allele frequency attached by ClinVar (database versions not stated): gnomAD exomes 0.00001.

Submissions (3):

Labcorp Genetics (formerly Invitae), Labcorp
Classification: Pathogenic for Renal carnitine transport defect. Last evaluated: 2025-11-17. Review status: criteria provided, single submitter. Criteria: Invitae Variant Classification Sherloc (09022015). Collection method: clinical testing. Allele origin: germline.
Comment: This sequence change creates a premature translational stop signal (p.Cys50Alafs*9) in the SLC22A5 gene. It is expected to result in an absent or disrupted protein product. Loss-of-function variants in SLC22A5 are known to be pathogenic (PMID: 9916797). This variant is not present in population databases (gnomAD no frequency). This variant has not been reported in the literature in individuals affected with SLC22A5-related conditions. ClinVar contains an entry for this variant (Variation ID: 38795). For these reasons, this variant has been classified as Pathogenic.

Genome-Nilou Lab
Classification: Pathogenic for Renal carnitine transport defect. Last evaluated: 2021-07-15. Review status: criteria provided, single submitter. Criteria: ACMG Guidelines, 2015. Collection method: clinical testing. Allele origin: germline. Affected: no.

Counsyl
Classification: Likely pathogenic for Renal carnitine transport defect. Last evaluated: 2016-04-06. Review status: no assertion criteria provided. Collection method: clinical testing. Allele origin: unknown. Not counted in ClinVar's aggregate classification.

Literature cited by the submitters: PubMed 9916797 (cited by Labcorp Genetics (formerly Invitae), Labcorp).